The following is an entry in ClinVar:

NM_181458.4(PAX3):c.1015_1019del (p.Val339fs)

Genes: PAX3 (paired box 3; minus strand), LOC126806529 (CDK7 strongly-dependent group 2 enhancer GRCh37_chr2:223084735-223085934; plus strand). Cytogenetic location: 2q36.1.
Variant type: Deletion.
Coding change: c.1015_1019del on transcript NM_181458.4 (MANE Select); coding-DNA positions 1015 to 1019, 5 bases deleted (GTACA; older notation c.1015_1019delGTACA).
Protein change: p.Val339fs; shifts the reading frame from valine 339.
Molecular consequence: frameshift variant.
Genome position (GRCh38, 1-based): chr2:222,220,294-222,220,298, TGTAC deleted on the plus strand (GTACA on the coding strand, the reverse complement: PAX3 is on the minus strand). VCF-style (leftmost placement, unchanged base first): chr2-222220293-GTGTAC-G. GRCh37 (hg19) VCF-style: chr2-223085012-GTGTAC-G.
Other names: c.1012_1016del, p.Val338fs (NM_001127366.3); c.1015_1019del, p.Val339fs (NM_181457.4, NM_181459.4, NM_181460.4 and 1 more transcripts); short protein forms V338fs, V339fs.
Identifiers: ClinVar variation 3601568 (VCV003601568.1).

ClinVar aggregate classification (germline): Likely pathogenic (1 of 4 stars; one submission).

Conditions:
Waardenburg syndrome type 1 (WS1). Also called: WAARDENBURG SYNDROME WITH DYSTOPIA CANTHORUM; Waardenburg Syndrome Type I. Identifiers: Orphanet 894, MedGen C1847800, MONDO:0008670, OMIM 193500.

Submission:

Institute of Rare Diseases, West China Hospital, Sichuan University
Classification: Likely pathogenic for Waardenburg syndrome type 1. Last evaluated: 2025-01-09. Review status: criteria provided, single submitter. Criteria: ClinGen HL ACMG Specifications v1. Collection method: research. Allele origin: germline. Affected: yes.
Comment: PVS1;PM2_Supporting